The following is an entry in ClinVar:

NM_000834.5(GRIN2B):c.2048T>C (p.Phe683Ser)

Gene: GRIN2B (glutamate ionotropic receptor NMDA type subunit 2B; minus strand). Cytogenetic location: 12p13.1.
Variant type: single nucleotide variant.
Coding change: c.2048T>C on transcript NM_000834.5 (MANE Select); coding-DNA position 2048, T replaced by C.
Protein change: p.Phe683Ser; replaces phenylalanine 683 with serine.
Molecular consequence: missense variant.
Genome position (GRCh38, 1-based): chr12:13,571,927, A>G on the plus strand (T>C on the coding strand, the complement: GRIN2B is on the minus strand). VCF-style: chr12-13571927-A-G. GRCh37 (hg19) VCF-style: chr12-13724861-A-G.
Other names: c.2048T>C, p.Phe683Ser (NM_001413992.1); short protein forms F683S.
Identifiers: ClinVar variation 4850163 (VCV004850163.1).
Genomic context (GRCh38, chr12:13,571,927, plus strand): 5'-TGCATTTCTGCATAGTTATTGCGAATATTTCTCTCTGTGCTGCCGTTGGGCACGGTCCCA[A>G]AGCGGAAAGGGGGTGAGAAGTCATTAGGTCTCTGGAACTGGAGAGAGAAAGACAGATAGA-3'
Protein context (NP_000825.2, residues 673-693): RPNDFSPPFR[Phe683Ser]GTVPNGSTER

ClinVar aggregate classification (germline): Likely pathogenic (1 of 4 stars; one submission).

Conditions:
Intellectual developmental disorder, autosomal dominant 6, with or without seizures. Also called: Intellectual disability, autosomal dominant 6; GRIN2B-related developmental delay, intellectual disability and autism spectrum disorder. Identifiers: Orphanet 589547, MedGen C3151411, MONDO:0013509, OMIM 613970.

Submission:

Variantyx, Inc.
Classification: Likely pathogenic for Intellectual developmental disorder, autosomal dominant 6, with or without seizures. Last evaluated: 2025-07-02. Review status: criteria provided, single submitter. Criteria: Variantyx Assertion Criteria 2022. Collection method: clinical testing. Allele origin: de novo. Inheritance: Autosomal dominant inheritance. Affected: yes.
Comment: This is a nonsynonymous variant in the GRIN2B gene (OMIM: 138252). Pathogenic variants in this gene have been associated with autosomal dominant intellectual developmental disorder 6 with or without seizures. This variant lies within a known hotspot for pathogenic variants or a well-established critical functional domain of the GRIN2B protein (PMID: 28095420, 34212862) (PM1) and multiple computational algorithms predict a deleterious effect for this variant (REVEL score: 0.805) (PP3). This variant is absent from control populations (PM2). Based on the current evidence, this variant is classified as likely pathogenic for autosomal dominant intellectual developmental disorder 6 with or without seizures.

Literature cited by the submitters: PubMed 28095420; PubMed 34212862.